The following is an entry in ClinVar:

NM_032040.5(CCDC8):c.939A>C (p.Glu313Asp)

Gene: CCDC8 (coiled-coil domain containing 8 subunit of 3M complex; minus strand). Cytogenetic location: 19q13.32.
Variant type: single nucleotide variant.
Coding change: c.939A>C on transcript NM_032040.5 (MANE Select); coding-DNA position 939, A replaced by C.
Protein change: p.Glu313Asp; replaces glutamic acid 313 with aspartic acid.
Molecular consequence: missense variant.
Genome position (GRCh38, 1-based): chr19:46,411,872, T>G on the plus strand (A>C on the coding strand, the complement: CCDC8 is on the minus strand). VCF-style: chr19-46411872-T-G. GRCh37 (hg19) VCF-style: chr19-46915129-T-G.
Other names: c.939A>C (NM_032040.3); short protein forms E313D.
Identifiers: ClinVar variation 1986270 (VCV001986270.2), dbSNP rs375348245, ClinGen allele CA9528571.

ClinVar aggregate classification (germline): Uncertain significance. Review status: criteria provided, multiple submitters, no conflicts (2 of 4 stars). 2 submissions from 2 submitters: Uncertain significance (2). Last evaluated 2025-11-12.

Conditions:
Inborn genetic diseases. Identifiers: MedGen C0950123, MeSH D030342.

Allele frequency attached by ClinVar (database versions not stated): ExAC 0.00002; gnomAD 0.00004; ESP Exome Variant Server 0.00008.

Submissions (2):

Ambry Genetics
Classification: Uncertain significance for Inborn genetic diseases. Last evaluated: 2025-11-12. Review status: criteria provided, single submitter. Criteria: Ambry Variant Classification Scheme 2023. Collection method: clinical testing. Allele origin: germline.

Labcorp Genetics (formerly Invitae), Labcorp
Classification: Uncertain significance. Last evaluated: 2022-05-12. Review status: criteria provided, single submitter. Criteria: Invitae Variant Classification Sherloc (09022015). Collection method: clinical testing. Allele origin: germline.
Comment: This sequence change replaces glutamic acid, which is acidic and polar, with aspartic acid, which is acidic and polar, at codon 313 of the CCDC8 protein (p.Glu313Asp). This variant is present in population databases (rs375348245, gnomAD 0.01%). This variant has not been reported in the literature in individuals affected with CCDC8-related conditions. Algorithms developed to predict the effect of missense changes on protein structure and function (SIFT, PolyPhen-2, Align-GVGD) all suggest that this variant is likely to be tolerated. In summary, the available evidence is currently insufficient to determine the role of this variant in disease. Therefore, it has been classified as a Variant of Uncertain Significance.